The following is an entry in ClinVar:

NM_002474.3(MYH11):c.1309C>T (p.Leu437Phe)

Gene: MYH11 (myosin heavy chain 11; minus strand). Cytogenetic location: 16p13.11.
Variant type: single nucleotide variant.
Coding change: c.1309C>T on transcript NM_002474.3 (MANE Select); coding-DNA position 1309, C replaced by T.
Protein change: p.Leu437Phe; replaces leucine 437 with phenylalanine.
Molecular consequence: missense variant.
Genome position (GRCh38, 1-based): chr16:15,759,668, G>A on the plus strand (C>T on the coding strand, the complement: MYH11 is on the minus strand). VCF-style: chr16-15759668-G-A. GRCh37 (hg19) VCF-style: chr16-15853525-G-A.
Other names: c.1330C>T, p.Leu444Phe (NM_001040113.2, NM_001040114.2); c.1309C>T, p.Leu437Phe (NM_022844.3); short protein forms L444F, L437F.
Identifiers: ClinVar variation 2817185 (VCV002817185.3), dbSNP rs2506399985, ClinGen allele CA394872526.
Genomic context (GRCh38, chr16:15,759,668, plus strand): 5'-TCCCCAGGAAGGAAGCCCCTTGCCGATGGGTCTTGTCCAGGGCTTTGTTCACGCGGGTGA[G>A]TATCCAGCGGAAAAGGCGCTCATATGTTGCCTTGGCCAAAGCCTCTACAGCAAAGTCAGC-3'
Protein context (NP_002465.1, residues 427-447): ATYERLFRWI[Leu437Phe]TRVNKALDKT

ClinVar aggregate classification (germline): Uncertain significance (1 of 4 stars; one submission).

Conditions:
Aortic aneurysm, familial thoracic 4 (AAT4). Also called: AORTIC ANEURYSM/AORTIC DISSECTION AND PATENT DUCTUS ARTERIOSUS. Identifiers: MedGen C1851504, MONDO:0007568, OMIM 132900.

Submission:

Labcorp Genetics (formerly Invitae), Labcorp
Classification: Uncertain significance for Aortic aneurysm, familial thoracic 4. Last evaluated: 2022-11-28. Review status: criteria provided, single submitter. Criteria: Invitae Variant Classification Sherloc (09022015). Collection method: clinical testing. Allele origin: germline.
Comment: This variant has not been reported in the literature in individuals affected with MYH11-related conditions. Advanced modeling of protein sequence and biophysical properties (such as structural, functional, and spatial information, amino acid conservation, physicochemical variation, residue mobility, and thermodynamic stability) performed at Invitae indicates that this missense variant is not expected to disrupt MYH11 protein function. In summary, the available evidence is currently insufficient to determine the role of this variant in disease. Therefore, it has been classified as a Variant of Uncertain Significance. This sequence change replaces leucine, which is neutral and non-polar, with phenylalanine, which is neutral and non-polar, at codon 444 of the MYH11 protein (p.Leu444Phe). This variant is not present in population databases (gnomAD no frequency).